The following is an entry in ClinVar:

ClinVar aggregate classification (germline): Uncertain significance. Review status: criteria provided, multiple submitters, no conflicts (2 of 4 stars). 3 submissions from 3 submitters: Uncertain significance (3). Last evaluated 2025-01-24.

Conditions:
Inborn genetic diseases. Identifiers: MedGen C0950123, MeSH D030342.
Congenital myasthenic syndrome 17. Identifiers: Orphanet 590, MedGen C4225377, MONDO:0014578, OMIM 616304.
Cenani-Lenz syndactyly syndrome. Also called: CENANI SYNDACTYLISM; SYNDACTYLY, TYPE VII. Identifiers: Orphanet 3258, MedGen C1859309, MONDO:0008931, OMIM 212780.
Sclerosteosis 2 (SOST2). Identifiers: Orphanet 3152, MedGen C3280402, MONDO:0013679, OMIM 614305.

Allele frequency attached by ClinVar (database versions not stated): gnomAD exomes 0.00001 and 0.00002; TOPMed 0.00001; gnomAD 0.00002.
gnomAD v4.1: 32 of 1,613,220 alleles (0.002%); highest among the groups gnomAD compares: Non-Finnish European, 0.0026%; no homozygotes.

Submissions (3):

Ambry Genetics
Classification: Uncertain significance for Inborn genetic diseases. Last evaluated: 2025-01-24. Review status: criteria provided, single submitter. Criteria: Ambry Variant Classification Scheme 2023. Collection method: clinical testing. Allele origin: germline.

Fulgent Genetics
Classification: Uncertain significance for Cenani-Lenz syndactyly syndrome; Sclerosteosis 2; Congenital myasthenic syndrome 17. Last evaluated: 2024-02-15. Review status: criteria provided, single submitter. Criteria: ACMG Guidelines, 2015. Collection method: clinical testing. Allele origin: germline.

Labcorp Genetics (formerly Invitae), Labcorp
Classification: Uncertain significance for Cenani-Lenz syndactyly syndrome; Sclerosteosis 2; Congenital myasthenic syndrome 17. Last evaluated: 2021-10-01. Review status: criteria provided, single submitter. Criteria: Invitae Variant Classification Sherloc (09022015). Collection method: clinical testing. Allele origin: germline.
Comment: In summary, the available evidence is currently insufficient to determine the role of this variant in disease. Therefore, it has been classified as a Variant of Uncertain Significance. Algorithms developed to predict the effect of missense changes on protein structure and function (SIFT, PolyPhen-2, Align-GVGD) all suggest that this variant is likely to be tolerated, but these predictions have not been confirmed by published functional studies and their clinical significance is uncertain. This variant has not been reported in the literature in individuals with LRP4-related disease. This variant is not present in population databases (ExAC no frequency). This sequence change replaces alanine with threonine at codon 1727 of the LRP4 protein (p.Ala1727Thr). The alanine residue is moderately conserved and there is a small physicochemical difference between alanine and threonine.

NM_002334.4(LRP4):c.5179G>A (p.Ala1727Thr)

Genes: LRP4 (LDL receptor related protein 4; minus strand), LRP4-AS1 (LRP4 antisense RNA 1; plus strand). Cytogenetic location: 11p11.2.
Variant type: single nucleotide variant.
Coding change: c.5179G>A on transcript NM_002334.4 (MANE Select); coding-DNA position 5179, G replaced by A.
Protein change: p.Ala1727Thr; replaces alanine 1727 with threonine.
Molecular consequence: missense variant.
Genome position (GRCh38, 1-based): chr11:46,864,512, C>T on the plus strand (G>A on the coding strand, the complement: LRP4 is on the minus strand). VCF-style: chr11-46864512-C-T. GRCh37 (hg19) VCF-style: chr11-46886063-C-T.
Other names: c.5179G>A (NM_002334.3); short protein forms A1727T.
Identifiers: ClinVar variation 1403840 (VCV001403840.6), dbSNP rs914781633, ClinGen allele CA221662247.